The following is an entry in ClinVar:

NM_004104.5(FASN):c.7166C>T (p.Pro2389Leu)

Genes: FASN (fatty acid synthase; minus strand), LOC129390948 (MPRA-validated peak3028 silencer; plus strand). Cytogenetic location: 17q25.3.
Variant type: single nucleotide variant.
Coding change: c.7166C>T on transcript NM_004104.5 (MANE Select); coding-DNA position 7166, C replaced by T.
Protein change: p.Pro2389Leu; replaces proline 2389 with leucine.
Molecular consequence: missense variant.
Genome position (GRCh38, 1-based): chr17:82,079,589, G>A on the plus strand (C>T on the coding strand, the complement: FASN is on the minus strand). VCF-style: chr17-82079589-G-A. GRCh37 (hg19) VCF-style: chr17-80037465-G-A.
Other names: c.7166C>T (NM_004104.4); short protein forms P2389L.
Identifiers: ClinVar variation 3603555 (VCV003603555.3).

ClinVar aggregate classification (germline): Uncertain significance. Review status: criteria provided, multiple submitters, no conflicts (2 of 4 stars). 2 submissions from 2 submitters: Uncertain significance (2). Last evaluated 2025-08-24.

Conditions:
Epileptic encephalopathy. Identifiers: MedGen C0543888, HP:0200134.

gnomAD v4.1: 9 of 1,601,360 alleles (0.00056%); highest among the groups gnomAD compares: Middle Eastern, 0.017%; no homozygotes.

Submissions (2):

Ambry Genetics
Classification: Uncertain significance. Last evaluated: 2025-08-24. Review status: criteria provided, single submitter. Criteria: Ambry Variant Classification Scheme 2023. Collection method: clinical testing. Allele origin: germline.

Labcorp Genetics (formerly Invitae), Labcorp
Classification: Uncertain significance for Epileptic encephalopathy. Last evaluated: 2024-06-13. Review status: criteria provided, single submitter. Criteria: Invitae Variant Classification Sherloc (09022015). Collection method: clinical testing. Allele origin: germline.
Comment: This sequence change replaces proline, which is neutral and non-polar, with leucine, which is neutral and non-polar, at codon 2389 of the FASN protein (p.Pro2389Leu). This variant is present in population databases (rs759642926, gnomAD 0.006%). This variant has not been reported in the literature in individuals affected with FASN-related conditions. An algorithm developed to predict the effect of missense changes on protein structure and function (PolyPhen-2) suggests that this variant is likely to be disruptive. In summary, the available evidence is currently insufficient to determine the role of this variant in disease. Therefore, it has been classified as a Variant of Uncertain Significance.